The following is an entry in ClinVar:

ClinVar aggregate classification (germline): Uncertain significance (1 of 4 stars; one submission).

Conditions:
Hereditary cancer-predisposing syndrome. Also called: Neoplastic Syndromes, Hereditary; Tumor predisposition; Hereditary neoplastic syndrome; Hereditary Cancer Syndrome. Identifiers: Orphanet 140162, MedGen C0027672, MeSH D009386, MONDO:0015356.

Submission:

Ambry Genetics
Classification: Uncertain significance for Hereditary cancer-predisposing syndrome. Last evaluated: 2023-11-20. Review status: criteria provided, single submitter. Criteria: Ambry Variant Classification Scheme 2023. Collection method: clinical testing. Allele origin: germline.
Comment: The p.S1817Y variant (also known as c.5450C>A), located in coding exon 10 of the BRCA2 gene, results from a C to A substitution at nucleotide position 5450. The serine at codon 1817 is replaced by tyrosine, an amino acid with dissimilar properties. This amino acid position is conserved. In addition, this alteration is predicted to be tolerated by in silico analysis. Since supporting evidence is limited at this time, the clinical significance of this alteration remains unclear.

NM_000059.4(BRCA2):c.5450C>A (p.Ser1817Tyr)

Gene: BRCA2 (BRCA2 DNA repair associated; plus strand). Cytogenetic location: 13q13.1.
Variant type: single nucleotide variant.
Coding change: c.5450C>A on transcript NM_000059.4 (MANE Select); coding-DNA position 5450, C replaced by A.
Protein change: p.Ser1817Tyr; replaces serine 1817 with tyrosine.
Molecular consequence: missense variant. On other transcripts: non-coding transcript variant (1), intron variant (2).
Genome position (GRCh38, 1-based): chr13:32,339,805, C>A. VCF-style: chr13-32339805-C-A. GRCh37 (hg19) VCF-style: chr13-32913942-C-A.
Other names: c.5450C>A, p.Ser1817Tyr (NM_001406719.1, NM_001406720.1); c.1910-4753C>A (NM_001406721.1); c.425-4753C>A (NM_001406722.1); short protein forms S1817Y.
Identifiers: ClinVar variation 3227457 (VCV003227457.1), dbSNP rs759741090, ClinGen allele CA387785590.